The following is an entry in ClinVar:

ClinVar aggregate classification (germline): Uncertain significance (1 of 4 stars; one submission).

Conditions:
Cardiovascular phenotype. Identifiers: MedGen CN230736.
Hereditary cancer-predisposing syndrome. Also called: Neoplastic Syndromes, Hereditary; Tumor predisposition; Hereditary Cancer Syndrome; Hereditary neoplastic syndrome. Identifiers: Orphanet 140162, MedGen C0027672, MeSH D009386, MONDO:0015356.

gnomAD v4.1: 1 of 1,614,136 alleles (0.000062%); highest among the groups gnomAD compares: Non-Finnish European, 0.000085%; no homozygotes.

Submission:

Ambry Genetics
Classification: Uncertain significance for Cardiovascular phenotype; Hereditary cancer-predisposing syndrome. Last evaluated: 2026-07-13. Review status: criteria provided, single submitter. Criteria: Ambry Variant Classification Scheme 2023. Collection method: clinical testing. Allele origin: germline.
Comment: The p.N2331K variant (also known as c.6993T>A), located in coding exon 46 of the NF1 gene, results from a T to A substitution at nucleotide position 6993. The asparagine at codon 2331 is replaced by lysine, an amino acid with similar properties. This amino acid position is highly conserved in available vertebrate species. In addition, this alteration is predicted to be tolerated by in silico analysis. Based on the available evidence, the clinical significance of this variant remains unclear.

NM_001042492.3(NF1):c.7056T>A (p.Asn2352Lys)

Gene: NF1 (neurofibromin 1; plus strand). Cytogenetic location: 17q11.2.
Variant type: single nucleotide variant.
Coding change: c.7056T>A on transcript NM_001042492.3 (MANE Select); coding-DNA position 7056, T replaced by A.
Protein change: p.Asn2352Lys; replaces asparagine 2352 with lysine.
Molecular consequence: missense variant.
Genome position (GRCh38, 1-based): chr17:31,340,639, T>A. VCF-style: chr17-31340639-T-A. GRCh37 (hg19) VCF-style: chr17-29667657-T-A.
Other names: c.6993T>A, p.Asn2331Lys (NM_000267.4); short protein forms N2331K, N2352K.
Identifiers: ClinVar variation 4615781 (VCV004615781.2).